The following is an entry in ClinVar:

NM_000384.3(APOB):c.919G>A (p.Gly307Ser)

Gene: APOB (apolipoprotein B; minus strand). Cytogenetic location: 2p24.1.
Variant type: single nucleotide variant.
Coding change: c.919G>A on transcript NM_000384.3 (MANE Select); coding-DNA position 919, G replaced by A.
Protein change: p.Gly307Ser; replaces glycine 307 with serine.
Molecular consequence: missense variant.
Genome position (GRCh38, 1-based): chr2:21,033,504, C>T on the plus strand (G>A on the coding strand, the complement: APOB is on the minus strand). VCF-style: chr2-21033504-C-T. GRCh37 (hg19) VCF-style: chr2-21256376-C-T.
Other names: short protein forms G307S.
Identifiers: ClinVar variation 1766147 (VCV001766147.5), dbSNP rs770369582, ClinGen allele CA066363.
Genomic context (GRCh38, chr2:21,033,504, plus strand): 5'-TCAAAACAGCTTCGGCCTGCTTTGGAGGTGATGTGGATTTGGTGCTCTCAAATGCGAGGC[C>T]CATCTTCTTAGTACCTGGAAGATGGAAAGTGTCAAAGGAACTCTAGCTTTCTTCATCTCA-3'
Protein context (NP_000375.3, residues 297-317): RFFGEGTKKM[Gly307Ser]LAFESTKSTS

ClinVar aggregate classification (germline): Conflicting classifications of pathogenicity. Review status: criteria provided, conflicting classifications (1 of 4 stars). 2 submissions from 2 submitters: Uncertain significance (1); Benign (1). Last evaluated 2023-11-13.

Conditions:
Familial hypobetalipoproteinemia 1. Also called: APOB-Related Familial Hypobetalipoproteinemia; Hypobetalipoproteinemia, normotriglyceridemic; Acanthocytosis with hypobetalipoproteinemia. Identifiers: MedGen C4551990, MONDO:0014252, OMIM 615558.
Hypercholesterolemia, autosomal dominant, type B (FHCL2). Also called: Hyperlipoproteinemia Type IIb; Familial hypercholesterolemia 2; Familial Hypercholesterolemia Type B; APOLIPOPROTEIN B-100, FAMILIAL DEFECTIVE; APOLIPOPROTEIN B-100, FAMILIAL LIGAND-DEFECTIVE; HYPERCHOLESTEROLEMIA, FAMILIAL, DUE TO LIGAND-DEFECTIVE APOLIPOPROTEIN B. Identifiers: MedGen C1704417, MONDO:0007751, OMIM 144010.
Cardiovascular phenotype. Identifiers: MedGen CN230736.

Allele frequency attached by ClinVar (database versions not stated): gnomAD exomes below 0.00001; ExAC 0.00001; gnomAD 0.00004; TOPMed 0.00004.
gnomAD v4.1: 8 of 1,613,888 alleles (0.0005%); highest among the groups gnomAD compares: African/African-American, 0.011%; no homozygotes.

Submissions (2):

Labcorp Genetics (formerly Invitae), Labcorp
Classification: Benign for Familial hypobetalipoproteinemia 1; Hypercholesterolemia, autosomal dominant, type B. Last evaluated: 2023-11-13. Review status: criteria provided, single submitter. Criteria: Invitae Variant Classification Sherloc (09022015). Collection method: clinical testing. Allele origin: germline.

Ambry Genetics
Classification: Uncertain significance for Cardiovascular phenotype. Last evaluated: 2021-08-12. Review status: criteria provided, single submitter. Criteria: Ambry Variant Classification Scheme 2023. Collection method: clinical testing. Allele origin: germline.
Comment: The p.G307S variant (also known as c.919G>A), located in coding exon 9 of the APOB gene, results from a G to A substitution at nucleotide position 919. The glycine at codon 307 is replaced by serine, an amino acid with similar properties. This amino acid position is conserved. In addition, this alteration is predicted to be tolerated by in silico analysis. Since supporting evidence is limited at this time, the clinical significance of this alteration remains unclear.